The following is an entry in ClinVar:

NM_007289.4(MME):c.1825dup (p.Gln609fs)

Gene: MME (membrane metalloendopeptidase; plus strand). Cytogenetic location: 3q25.2.
Variant type: Duplication.
Coding change: c.1825dup on transcript NM_007289.4 (MANE Select); coding-DNA position 1825, one base duplicated (C; older notation c.1825dupC).
Protein change: p.Gln609fs; shifts the reading frame from glutamine 609.
Molecular consequence: frameshift variant.
Genome position (GRCh38, 1-based): chr3:155,168,536, C duplicated. VCF-style (leftmost placement, unchanged base first): chr3-155168535-T-TC. GRCh37 (hg19) VCF-style: chr3-154886324-T-TC.
Other names: c.1825dup, p.Gln609fs (NM_000902.5, NM_001354642.2, NM_001354643.1 and 2 more transcripts); short protein forms Q609fs.
Identifiers: ClinVar variation 4277268 (VCV004277268.1).

ClinVar aggregate classification (germline): Pathogenic (1 of 4 stars; one submission).

Conditions:
Charcot-Marie-Tooth disease axonal type 2T. Identifiers: Orphanet 443950, MedGen C4015635, OMIM 617017, MONDO:0014866.

Submission:

MVZ Medizinische Genetik Mainz
Classification: Pathogenic for Charcot-Marie-Tooth disease axonal type 2T. Last evaluated: 2025-09-15. Review status: criteria provided, single submitter. Criteria: UK Practice Guidelines For Variant Classification V4 01 2020. Collection method: clinical testing. Allele origin: germline. Inheritance: Autosomal recessive inheritance. Affected: yes. Observed: 1 variant allele.
Comment: ACMG Criteria: PVS1,PM2_SUP,PM3_SUP